The following is an entry in ClinVar:

ClinVar aggregate classification (germline): Conflicting classifications of pathogenicity. Review status: criteria provided, conflicting classifications (1 of 4 stars). 4 submissions from 4 submitters: Uncertain significance (2); Likely benign (1). 1 of the submissions does not count toward it. Last evaluated 2022-06-01.

Conditions:
Hereditary spastic paraplegia 49 (HSAN9). Also called: Spastic paraplegia 49, autosomal recessive; NEUROPATHY, HEREDITARY SENSORY AND AUTONOMIC, TYPE IX, WITH DEVELOPMENTAL DELAY; TECPR2-Related Hereditary Sensory and Autonomic Neuropathy with Intellectual Disability. Identifiers: Orphanet 320385, MedGen C5190860, MONDO:0014016, OMIM 615031.
Hereditary spastic paraplegia. Also called: Familial spastic paraparesis. Identifiers: Orphanet 685, MedGen C0037773, MONDO:0019064. Disease mechanism: loss of function.
TECPR2-related disorder. Also called: TECPR2-related condition.

Allele frequency attached by ClinVar (database versions not stated): ExAC 0.00003; gnomAD 0.00005; gnomAD exomes 0.00006 and 0.00007; TOPMed 0.00008.
gnomAD v4.1: 108 of 1,593,936 alleles (0.0068%); highest among the groups gnomAD compares: Middle Eastern, 0.071%; 1 homozygote.

Submissions (4):

CeGaT Center for Human Genetics Tuebingen
Classification: Likely benign. Last evaluated: 2022-06-01. Review status: criteria provided, single submitter. Criteria: CeGaT Center For Human Genetics Tuebingen Variant Classification Criteria Version 2. Collection method: clinical testing. Allele origin: germline. Affected: yes. Observed: 1 variant allele.
Comment: TECPR2: BP4

Labcorp Genetics (formerly Invitae), Labcorp
Classification: Uncertain significance for Hereditary spastic paraplegia 49. Last evaluated: 2022-02-23. Review status: criteria provided, single submitter. Criteria: Invitae Variant Classification Sherloc (09022015). Collection method: clinical testing. Allele origin: germline.
Comment: This sequence change falls in intron 9 of the TECPR2 gene. It does not directly change the encoded amino acid sequence of the TECPR2 protein. It affects a nucleotide within the consensus splice site. This variant is present in population databases (rs776681603, gnomAD 0.06%). This variant has not been reported in the literature in individuals affected with TECPR2-related conditions. Variants that disrupt the consensus splice site are a relatively common cause of aberrant splicing (PMID: 17576681, 9536098). Algorithms developed to predict the effect of sequence changes on RNA splicing suggest that this variant is not likely to affect RNA splicing. In summary, the available evidence is currently insufficient to determine the role of this variant in disease. Therefore, it has been classified as a Variant of Uncertain Significance.

Genome Diagnostics Laboratory, The Hospital for Sick Children
Classification: Uncertain significance for Hereditary spastic paraplegia. Last evaluated: 2019-10-01. Review status: criteria provided, single submitter. Criteria: ACMG Guidelines, 2015. Collection method: clinical testing. Allele origin: germline. Affected: yes.

PreventionGenetics, part of Exact Sciences
Classification: Likely benign for TECPR2-related condition. Last evaluated: 2019-05-24. Review status: no assertion criteria provided. Collection method: clinical testing. Allele origin: germline. Not counted in ClinVar's aggregate classification.
Comment: This variant is classified as likely benign based on ACMG/AMP sequence variant interpretation guidelines (Richards et al. 2015 PMID: 25741868, with internal and published modifications).

Literature cited by the submitters: PubMed 17576681 (cited by Labcorp Genetics (formerly Invitae), Labcorp); PubMed 9536098 (cited by Labcorp Genetics (formerly Invitae), Labcorp).

NM_014844.5(TECPR2):c.2394+3A>G

Gene: TECPR2 (tectonin beta-propeller repeat containing 2; plus strand). Cytogenetic location: 14q32.31.
Variant type: single nucleotide variant.
Coding change: c.2394+3A>G on transcript NM_014844.5 (MANE Select); 3 bases into the intron after coding-DNA position 2394, A replaced by G.
Molecular consequence: intron variant.
Genome position (GRCh38, 1-based): chr14:102,435,214, A>G. VCF-style: chr14-102435214-A-G. GRCh37 (hg19) VCF-style: chr14-102901551-A-G.
Other names: c.2394+3A>G (NM_001172631.3).
Identifiers: ClinVar variation 1344149 (VCV001344149.30), dbSNP rs776681603, ClinGen allele CA7357904.